The following is an entry in ClinVar:

ClinVar aggregate classification (germline): Benign (0 of 4 stars; one submission).

Conditions:
PADI3-related disorder. Also called: PADI3-related condition.

Allele frequency attached by ClinVar (database versions not stated): ESP Exome Variant Server 0.08381; 1000 Genomes Project 0.09984; 1000 Genomes Project 30x 0.09994; gnomAD exomes 0.10696; ExAC 0.11142.
gnomAD v4.1: 170,241 of 1,612,400 alleles (11%); highest among the groups gnomAD compares: South Asian, 17%; 9,177 homozygotes.

Submission:

PreventionGenetics, part of Exact Sciences
Classification: Benign for PADI3-related condition. Last evaluated: 2019-10-21. Review status: no assertion criteria provided. Collection method: clinical testing. Allele origin: germline.
Comment: This variant is classified as benign based on ACMG/AMP sequence variant interpretation guidelines (Richards et al. 2015 PMID: 25741868, with internal and published modifications).

NM_016233.2(PADI3):c.1029C>T (p.Arg343=)

Gene: PADI3 (peptidyl arginine deiminase 3; plus strand). Cytogenetic location: 1p36.13.
Variant type: single nucleotide variant.
Coding change: c.1029C>T on transcript NM_016233.2 (MANE Select); coding-DNA position 1029, C replaced by T.
Protein change: p.Arg343=; no amino-acid change (arginine 343 retained).
Molecular consequence: synonymous variant.
Genome position (GRCh38, 1-based): chr1:17,271,160, C>T. VCF-style: chr1-17271160-C-T. GRCh37 (hg19) VCF-style: chr1-17597655-C-T.
Identifiers: ClinVar variation 3055748 (VCV003055748.2), dbSNP rs2293916, ClinGen allele CA639917.
Genomic context (GRCh38, chr1:17,271,160, plus strand): 5'-GGCAGAGCTGGCCAGGAAGGCCGGCTGCAAGCTGACCATCTGCCCACAGGCCGAGAACCG[C>T]AACGACCGCTGGATCCAGGTAACCACAGCCACTGGGCAGGGCCCAGCAAGGACGCCATCC-3'
Protein context (NP_057317.2, residues 333-353): KLTICPQAEN[Arg343=]NDRWIQDEME